The following is an entry in ClinVar:

NM_000075.4(CDK4):c.669G>A (p.Leu223=)

Genes: CDK4 (cyclin dependent kinase 4; minus strand), TSPAN31 (tetraspanin 31; plus strand). Cytogenetic location: 12q14.1.
Variant type: single nucleotide variant.
Coding change: c.669G>A on transcript NM_000075.4 (MANE Select); coding-DNA position 669, G replaced by A.
Protein change: p.Leu223=; no amino-acid change (leucine 223 retained).
Molecular consequence: synonymous variant. On other transcripts: 3 prime UTR variant (3).
Genome position (GRCh38, 1-based): chr12:57,749,468, C>T on the plus strand (G>A on the coding strand, the complement: CDK4 is on the minus strand). VCF-style: chr12-57749468-C-T. GRCh37 (hg19) VCF-style: chr12-58143251-C-T.
Other names: c.*2178C>T (NM_001330168.2, NM_001330169.2, NM_005981.5).
Identifiers: ClinVar variation 3378684 (VCV003378684.2).

ClinVar aggregate classification (germline): Conflicting classifications of pathogenicity. Review status: criteria provided, conflicting classifications (1 of 4 stars). 2 submissions from 2 submitters: Uncertain significance (1); Benign (1). Last evaluated 2025-07-02.

Conditions:
Melanoma, cutaneous malignant, susceptibility to, 3. Also called: Cutaneous malignant melanoma 3. Identifiers: Orphanet 618, MedGen C1836892, MONDO:0012183, OMIM 609048.
Familial melanoma. Also called: Hereditary melanoma; Hereditary cutaneous melanoma. Identifiers: Orphanet 618, MedGen C1512419, MONDO:0018961.

gnomAD v4.1: 4 of 1,614,156 alleles (0.00025%); highest among the groups gnomAD compares: Non-Finnish European, 0.00034%; no homozygotes.

Submissions (2):

Labcorp Genetics (formerly Invitae), Labcorp
Classification: Uncertain significance for Familial melanoma. Last evaluated: 2025-07-02. Review status: criteria provided, single submitter. Criteria: Invitae Variant Classification Sherloc (09022015). Collection method: clinical testing. Allele origin: germline.
Comment: This sequence change affects codon 223 of the CDK4 mRNA. It is a 'silent' change, meaning that it does not change the encoded amino acid sequence of the CDK4 protein. This variant is not present in population databases (gnomAD no frequency). This variant has not been reported in the literature in individuals affected with CDK4-related conditions. ClinVar contains an entry for this variant (Variation ID: 3378684). Algorithms developed to predict the effect of sequence changes on RNA splicing suggest that this variant may disrupt the consensus splice site. In summary, the available evidence is currently insufficient to determine the role of this variant in disease. Therefore, it has been classified as a Variant of Uncertain Significance.

Myriad Genetics, Inc.
Classification: Benign for Melanoma, cutaneous malignant, susceptibility to, 3. Last evaluated: 2024-09-26. Review status: criteria provided, single submitter. Criteria: Myriad Autosomal Dominant, Autosomal Recessive and X-Linked Classification Criteria (2023). Collection method: clinical testing. Allele origin: unknown.
Comment: This variant is considered benign. This variant is a silent/synonymous amino acid change and it is not expected to impact splicing.